The following is an entry in ClinVar:

NM_004656.4(BAP1):c.2133G>A (p.Lys711=)

Gene: BAP1 (BRCA1 associated deubiquitinase 1; minus strand). Cytogenetic location: 3p21.1.
Variant type: single nucleotide variant.
Coding change: c.2133G>A on transcript NM_004656.4 (MANE Select); coding-DNA position 2133, G replaced by A.
Protein change: p.Lys711=; no amino-acid change (lysine 711 retained).
Molecular consequence: synonymous variant.
Genome position (GRCh38, 1-based): chr3:52,402,345, C>T on the plus strand (G>A on the coding strand, the complement: BAP1 is on the minus strand). VCF-style: chr3-52402345-C-T. GRCh37 (hg19) VCF-style: chr3-52436361-C-T.
Other names: c.2079G>A, p.Lys693= (NM_001410772.1).
Identifiers: ClinVar variation 1786443 (VCV001786443.3), dbSNP rs2153226098, ClinGen allele CA433885908.

ClinVar aggregate classification (germline): Benign/Likely benign. Review status: criteria provided, multiple submitters, no conflicts (2 of 4 stars). 2 submissions from 2 submitters: Benign (1); Likely benign (1). Last evaluated 2024-07-18.

Conditions:
Hereditary cancer-predisposing syndrome. Also called: Neoplastic Syndromes, Hereditary; Tumor predisposition; Hereditary Cancer Syndrome; Hereditary neoplastic syndrome. Identifiers: Orphanet 140162, MedGen C0027672, MeSH D009386, MONDO:0015356.
BAP1-related tumor predisposition syndrome (TPDS1). Also called: COMMON Syndrome; TUMOR PREDISPOSITION SYNDROME 1; BAP1 tumor predisposition syndrome; Tumor susceptibility linked to germline BAP1 mutations. Identifiers: Orphanet 289539, MedGen C3280492, MONDO:0013692, OMIM 614327.

Allele frequency attached by ClinVar (database versions not stated): gnomAD exomes below 0.00001.
gnomAD v4.1: 2 of 1,587,410 alleles (0.00013%); highest among the groups gnomAD compares: Non-Finnish European, 0.00017%; no homozygotes.

Submissions (2):

Myriad Genetics, Inc.
Classification: Benign for BAP1-related tumor predisposition syndrome. Last evaluated: 2024-07-18. Review status: criteria provided, single submitter. Criteria: Myriad Autosomal Dominant, Autosomal Recessive and X-Linked Classification Criteria (2023). Collection method: clinical testing. Allele origin: unknown.
Comment: This variant is considered benign. This variant is a silent/synonymous amino acid change and it is not expected to impact splicing.

Ambry Genetics
Classification: Likely benign for Hereditary cancer-predisposing syndrome. Last evaluated: 2020-08-08. Review status: criteria provided, single submitter. Criteria: Ambry Variant Classification Scheme 2023. Collection method: clinical testing. Allele origin: germline.